The following is an entry in ClinVar:

ClinVar aggregate classification (germline): Uncertain significance (1 of 4 stars; one submission).

Submission:

Labcorp Genetics (formerly Invitae), Labcorp
Classification: Uncertain significance. Last evaluated: 2021-12-28. Review status: criteria provided, single submitter. Criteria: Invitae Variant Classification Sherloc (09022015). Collection method: clinical testing. Allele origin: germline.
Comment: This sequence change replaces glutamine, which is neutral and polar, with histidine, which is basic and polar, at codon 90 of the PDE6A protein (p.Gln90His). This variant is not present in population databases (gnomAD no frequency). This variant has not been reported in the literature in individuals affected with PDE6A-related conditions. Algorithms developed to predict the effect of missense changes on protein structure and function output the following: SIFT: "Tolerated"; PolyPhen-2: "Benign"; Align-GVGD: "Class C0". The histidine amino acid residue is found in multiple mammalian species, which suggests that this missense change does not adversely affect protein function. In summary, the available evidence is currently insufficient to determine the role of this variant in disease. Therefore, it has been classified as a Variant of Uncertain Significance.

NM_000440.3(PDE6A):c.270G>T (p.Gln90His)

Gene: PDE6A (phosphodiesterase 6A; minus strand). Cytogenetic location: 5q32.
Variant type: single nucleotide variant.
Coding change: c.270G>T on transcript NM_000440.3 (MANE Select); coding-DNA position 270, G replaced by T.
Protein change: p.Gln90His; replaces glutamine 90 with histidine.
Molecular consequence: missense variant.
Genome position (GRCh38, 1-based): chr5:149,944,404, C>A on the plus strand (G>T on the coding strand, the complement: PDE6A is on the minus strand). VCF-style: chr5-149944404-C-A. GRCh37 (hg19) VCF-style: chr5-149323967-C-A.
Other names: c.270G>T, p.Gln90His (NM_001410788.1); short protein forms Q90H.
Identifiers: ClinVar variation 2063582 (VCV002063582.4), dbSNP rs2480712071, ClinGen allele CA361700572.